The following is an entry in ClinVar:

ClinVar aggregate classification (germline): Uncertain significance. Review status: criteria provided, multiple submitters, no conflicts (2 of 4 stars). 2 submissions from 2 submitters: Uncertain significance (2). Last evaluated 2025-06-06.

Conditions:
Inborn genetic diseases. Identifiers: MedGen C0950123, MeSH D030342.
Evans syndrome, immunodeficiency, and premature immunosenescence associated with tripeptidyl-peptidase II deficiency. Identifiers: MedGen CN231723. Disease mechanism: loss of function.

Allele frequency attached by ClinVar (database versions not stated): gnomAD exomes 0.00001.
gnomAD v4.1: 13 of 1,610,072 alleles (0.00081%); highest among the groups gnomAD compares: South Asian, 0.0022%; no homozygotes.

Submissions (2):

Ambry Genetics
Classification: Uncertain significance for Inborn genetic diseases. Last evaluated: 2025-06-06. Review status: criteria provided, single submitter. Criteria: Ambry Variant Classification Scheme 2023. Collection method: clinical testing. Allele origin: germline.

Labcorp Genetics (formerly Invitae), Labcorp
Classification: Uncertain significance for Evans syndrome, immunodeficiency, and premature immunosenescence associated with tripeptidyl-peptidase II deficiency. Last evaluated: 2021-09-24. Review status: criteria provided, single submitter. Criteria: Invitae Variant Classification Sherloc (09022015). Collection method: clinical testing. Allele origin: germline.
Comment: This sequence change replaces arginine with histidine at codon 598 of the TPP2 protein (p.Arg598His). The arginine residue is highly conserved and there is a small physicochemical difference between arginine and histidine. This variant is not present in population databases (ExAC no frequency). This variant has not been reported in the literature in individuals with TPP2-related conditions. Algorithms developed to predict the effect of missense changes on protein structure and function are either unavailable or do not agree on the potential impact of this missense change (SIFT: "Deleterious"; PolyPhen-2: "Possibly Damaging"; Align-GVGD: "Class C0"). In summary, the available evidence is currently insufficient to determine the role of this variant in disease. Therefore, it has been classified as a Variant of Uncertain Significance.

NM_001330588.2(TPP2):c.1793G>A (p.Arg598His)

Gene: TPP2 (tripeptidyl peptidase 2; plus strand). Cytogenetic location: 13q33.1.
Variant type: single nucleotide variant.
Coding change: c.1793G>A on transcript NM_001330588.2 (MANE Select); coding-DNA position 1793, G replaced by A.
Protein change: p.Arg598His; replaces arginine 598 with histidine.
Molecular consequence: missense variant. On other transcripts: non-coding transcript variant (1).
Genome position (GRCh38, 1-based): chr13:102,637,196, G>A. VCF-style: chr13-102637196-G-A. GRCh37 (hg19) VCF-style: chr13-103289546-G-A.
Other names: c.1793G>A, p.Arg598His (NM_001367947.1, NM_003291.4); c.1793G>A (NM_003291.2); short protein forms R598H.
Identifiers: ClinVar variation 1399890 (VCV001399890.6), dbSNP rs1231094275, ClinGen allele CA388489287.